The following is an entry in ClinVar:

ClinVar aggregate classification (germline): Uncertain significance. Review status: criteria provided, multiple submitters, no conflicts (2 of 4 stars). 2 submissions from 2 submitters: Uncertain significance (2). Last evaluated 2025-04-23.

Conditions:
Gastrointestinal stromal tumor. Also called: Gastrointestinal stromal tumor, somatic; Gastrointestinal stroma tumor. Identifiers: Orphanet 44890, MedGen C0238198, MeSH D046152, MONDO:0011719, OMIM 606764, HP:0100723.
Polyps, multiple and recurrent inflammatory fibroid, gastrointestinal. Identifiers: MedGen C5193005, MONDO:0008285, OMIM 175510.

Submissions (2):

Labcorp Genetics (formerly Invitae), Labcorp
Classification: Uncertain significance for Gastrointestinal stromal tumor. Last evaluated: 2025-04-23. Review status: criteria provided, single submitter. Criteria: Invitae Variant Classification Sherloc (09022015). Collection method: clinical testing. Allele origin: germline.
Comment: This sequence change replaces valine, which is neutral and non-polar, with leucine, which is neutral and non-polar, at codon 168 of the PDGFRA protein (p.Val168Leu). This variant is not present in population databases (gnomAD no frequency). This variant has not been reported in the literature in individuals affected with PDGFRA-related conditions. ClinVar contains an entry for this variant (Variation ID: 2677583). An algorithm developed to predict the effect of missense changes on protein structure and function (PolyPhen-2) suggests that this variant is likely to be tolerated. In summary, the available evidence is currently insufficient to determine the role of this variant in disease. Therefore, it has been classified as a Variant of Uncertain Significance.

Baylor Genetics
Classification: Uncertain significance for Polyps, multiple and recurrent inflammatory fibroid, gastrointestinal. Last evaluated: 2023-08-30. Review status: criteria provided, single submitter. Criteria: ACMG Guidelines, 2015. Collection method: clinical testing. Allele origin: unknown.

NM_006206.6(PDGFRA):c.502G>T (p.Val168Leu)

Gene: PDGFRA (platelet derived growth factor receptor alpha; plus strand). Cytogenetic location: 4q12.
Variant type: single nucleotide variant.
Coding change: c.502G>T on transcript NM_006206.6 (MANE Select); coding-DNA position 502, G replaced by T.
Protein change: p.Val168Leu; replaces valine 168 with leucine.
Molecular consequence: missense variant.
Genome position (GRCh38, 1-based): chr4:54,263,801, G>T. VCF-style: chr4-54263801-G-T. GRCh37 (hg19) VCF-style: chr4-55129968-G-T.
Other names: c.502G>T, p.Val168Leu (NM_001347827.2, NM_001347829.2); c.577G>T, p.Val193Leu (NM_001347828.2); c.541G>T, p.Val181Leu (NM_001347830.2); short protein forms V168L, V181L, V193L.
Identifiers: ClinVar variation 2677583 (VCV002677583.3), dbSNP rs752270672, ClinGen allele CA356889962.